The following is an entry in ClinVar:

ClinVar aggregate classification (germline): Uncertain significance (1 of 4 stars; one submission).

Conditions:
Pitt-Hopkins-like syndrome 2 (PTHSL2). Identifiers: Orphanet 221150, Orphanet 600663, MedGen C3280479, MONDO:0013690, OMIM 614325.

Submission:

Labcorp Genetics (formerly Invitae), Labcorp
Classification: Uncertain significance for Pitt-Hopkins-like syndrome 2. Last evaluated: 2023-07-17. Review status: criteria provided, single submitter. Criteria: Invitae Variant Classification Sherloc (09022015). Collection method: clinical testing. Allele origin: germline.
Comment: In summary, the available evidence is currently insufficient to determine the role of this variant in disease. Therefore, it has been classified as a Variant of Uncertain Significance. An algorithm developed to predict the effect of missense changes on protein structure and function (PolyPhen-2) suggests that this variant is likely to be tolerated. This variant has not been reported in the literature in individuals affected with NRXN1-related conditions. This variant is not present in population databases (gnomAD no frequency). This sequence change replaces glycine, which is neutral and non-polar, with arginine, which is basic and polar, at codon 304 of the NRXN1 protein (p.Gly304Arg).

NM_001330078.2(NRXN1):c.811G>C (p.Gly271Arg)

Gene: NRXN1 (neurexin 1; minus strand). Cytogenetic location: 2p16.3.
Variant type: single nucleotide variant.
Coding change: c.811G>C on transcript NM_001330078.2 (MANE Select); coding-DNA position 811, G replaced by C.
Protein change: p.Gly271Arg; replaces glycine 271 with arginine.
Molecular consequence: missense variant. On other transcripts: intron variant (4).
Genome position (GRCh38, 1-based): chr2:50,922,667, C>G on the plus strand (G>C on the coding strand, the complement: NRXN1 is on the minus strand). VCF-style: chr2-50922667-C-G. GRCh37 (hg19) VCF-style: chr2-51149805-C-G.
Other names: c.910G>C, p.Gly304Arg (NM_001135659.3); c.811G>C, p.Gly271Arg (NM_001330077.2, NM_001330081.2, NM_001330082.2 and 6 more transcripts); c.808G>C, p.Gly270Arg (NM_001330079.2, NM_001330093.2); c.793G>C, p.Gly265Arg (NM_001330088.2, NM_001330089.2); c.772+104835G>C (NM_001330087.2, NM_001330083.2, NM_001330084.2 and 1 more transcripts); short protein forms G265R, G271R, G304R, G270R.
Identifiers: ClinVar variation 2829343 (VCV002829343.3), dbSNP rs368240967, ClinGen allele CA346822839.